The following is an entry in ClinVar:

NM_002878.4(RAD51D):c.584G>A (p.Gly195Asp)

Genes: RAD51D (RAD51 paralog D; minus strand), RAD51L3-RFFL (RAD51L3-RFFL readthrough; minus strand). Cytogenetic location: 17q12.
Variant type: single nucleotide variant.
Coding change: c.584G>A on transcript NM_002878.4 (MANE Select); coding-DNA position 584, G replaced by A.
Protein change: p.Gly195Asp; replaces glycine 195 with aspartic acid.
Molecular consequence: missense variant. On other transcripts: non-coding transcript variant (3).
Genome position (GRCh38, 1-based): chr17:35,103,537, C>T on the plus strand (G>A on the coding strand, the complement: RAD51D is on the minus strand). VCF-style: chr17-35103537-C-T. GRCh37 (hg19) VCF-style: chr17-33430556-C-T.
Other names: c.644G>A, p.Gly215Asp (NM_001142571.2); c.248G>A, p.Gly83Asp (NM_133629.3); short protein forms G195D, G83D, G215D.
Identifiers: ClinVar variation 848749 (VCV000848749.10), dbSNP rs779231465, ClinGen allele CA8499405.

ClinVar aggregate classification (germline): Uncertain significance. Review status: criteria provided, multiple submitters, no conflicts (2 of 4 stars). 4 submissions from 4 submitters: Uncertain significance (4). Last evaluated 2025-12-03.

Conditions:
Breast-ovarian cancer, familial, susceptibility to, 4. Identifiers: Orphanet 145, MedGen C3280345, MONDO:0013669, OMIM 614291.
Hereditary cancer-predisposing syndrome. Also called: Tumor predisposition; Neoplastic Syndromes, Hereditary; Hereditary neoplastic syndrome; Hereditary Cancer Syndrome. Identifiers: Orphanet 140162, MedGen C0027672, MeSH D009386, MONDO:0015356.

Allele frequency attached by ClinVar (database versions not stated): gnomAD exomes below 0.00001; ExAC 0.00001.

Submissions (4):

Labcorp Genetics (formerly Invitae), Labcorp
Classification: Uncertain significance for Breast-ovarian cancer, familial, susceptibility to, 4. Last evaluated: 2025-12-03. Review status: criteria provided, single submitter. Criteria: Invitae Variant Classification Sherloc (09022015). Collection method: clinical testing. Allele origin: germline.
Comment: This sequence change replaces glycine, which is neutral and non-polar, with aspartic acid, which is acidic and polar, at codon 195 of the RAD51D protein (p.Gly195Asp). This variant is present in population databases (rs779231465, gnomAD 0.0009%). This variant has not been reported in the literature in individuals affected with RAD51D-related conditions. ClinVar contains an entry for this variant (Variation ID: 848749). An algorithm developed to predict the effect of missense changes on protein structure and function (PolyPhen-2) suggests that this variant is likely to be tolerated. In summary, the available evidence is currently insufficient to determine the role of this variant in disease. Therefore, it has been classified as a Variant of Uncertain Significance.

Ambry Genetics
Classification: Uncertain significance for Hereditary cancer-predisposing syndrome. Last evaluated: 2024-12-19. Review status: criteria provided, single submitter. Criteria: Ambry Variant Classification Scheme 2023. Collection method: clinical testing. Allele origin: germline.
Comment: The p.G195D variant (also known as c.584G>A), located in coding exon 7 of the RAD51D gene, results from a G to A substitution at nucleotide position 584. The glycine at codon 195 is replaced by aspartic acid, an amino acid with similar properties. This amino acid position is not well conserved in available vertebrate species. In addition, this alteration is predicted to be tolerated by in silico analysis. Based on the available evidence, the clinical significance of this variant remains unclear.

Baylor Genetics
Classification: Uncertain significance for Breast-ovarian cancer, familial, susceptibility to, 4. Last evaluated: 2024-01-30. Review status: criteria provided, single submitter. Criteria: ACMG Guidelines, 2015. Collection method: clinical testing. Allele origin: unknown.

GeneDx
Classification: Uncertain significance. Last evaluated: 2022-02-03. Review status: criteria provided, single submitter. Criteria: GeneDx Variant Classification Process June 2021. Collection method: clinical testing. Allele origin: germline. Affected: yes.
Comment: Not observed at significant frequency in large population cohorts (gnomAD); In silico analysis supports that this missense variant does not alter protein structure/function; Has not been previously published as pathogenic or benign to our knowledge; This variant is associated with the following publications: (PMID: 21111057, 14704354)